The following is an entry in ClinVar:

NM_004813.4(PEX16):c.873_874delinsCT (p.Asp292Tyr)

Gene: PEX16 (peroxisomal biogenesis factor 16; minus strand). Cytogenetic location: 11p11.2.
Variant type: Indel.
Coding change: c.873_874delinsCT on transcript NM_004813.4 (MANE Select); coding-DNA positions 873 to 874, TG replaced by CT.
Protein change: p.Asp292Tyr; replaces aspartic acid 292 with tyrosine.
Molecular consequence: missense variant.
Genome position (GRCh38, 1-based): chr11:45,913,832-45,913,833, CA replaced by AG on the plus strand (TG replaced by CT on the coding strand, the reverse complement: PEX16 is on the minus strand). VCF-style: chr11-45913832-CA-AG. GRCh37 (hg19) VCF-style: chr11-45935383-CA-AG.
Other names: c.873_874delinsCT, p.Asp292Tyr (NM_057174.3); short protein forms D292Y.
Identifiers: ClinVar variation 2000182 (VCV002000182.4), dbSNP rs2494892118, ClinGen allele CA2580084301.

ClinVar aggregate classification (germline): Uncertain significance (1 of 4 stars; one submission).

Conditions:
Peroxisome biogenesis disorder. Identifiers: Orphanet 79189, MedGen C1832200, MONDO:0019234. Disease mechanism: loss of function.

Submission:

Labcorp Genetics (formerly Invitae), Labcorp
Classification: Uncertain significance for Peroxisome biogenesis disorder. Last evaluated: 2022-05-28. Review status: criteria provided, single submitter. Criteria: Invitae Variant Classification Sherloc (09022015). Collection method: clinical testing. Allele origin: germline.
Comment: This sequence change replaces aspartic acid, which is acidic and polar, with tyrosine, which is neutral and polar, at codon 292 of the PEX16 protein (p.Asp292Tyr). Information on the frequency of this variant in the gnomAD database is not available, as this variant may be reported differently in the database. This variant has not been reported in the literature in individuals affected with PEX16-related conditions. Experimental studies and prediction algorithms are not available or were not evaluated, and the functional significance of this variant is currently unknown. In summary, the available evidence is currently insufficient to determine the role of this variant in disease. Therefore, it has been classified as a Variant of Uncertain Significance.